The following is an entry in ClinVar:

ClinVar aggregate classification (germline): Uncertain significance (1 of 4 stars; one submission).

Conditions:
Primary ciliary dyskinesia. Also called: Ciliary dyskinesia. Identifiers: Orphanet 244, MedGen C0008780, MONDO:0016575, HP:0012265.

gnomAD v4.1: 6 of 1,611,714 alleles (0.00037%); highest among the groups gnomAD compares: South Asian, 0.0066%; 1 homozygote.

Submission:

Labcorp Genetics (formerly Invitae), Labcorp
Classification: Uncertain significance for Primary ciliary dyskinesia. Last evaluated: 2019-07-22. Review status: criteria provided, single submitter. Criteria: Invitae Variant Classification Sherloc (09022015). Collection method: clinical testing. Allele origin: germline.
Comment: This sequence change replaces histidine with tyrosine at codon 3638 of the DNAH11 protein (p.His3638Tyr). The histidine residue is moderately conserved and there is a moderate physicochemical difference between histidine and tyrosine. This variant is present in population databases (rs776111425, ExAC 0.01%). This variant has not been reported in the literature in individuals with DNAH11-related disease. Algorithms developed to predict the effect of missense changes on protein structure and function (SIFT, PolyPhen-2, Align-GVGD) all suggest that this variant is likely to be tolerated, but these predictions have not been confirmed by published functional studies and their clinical significance is uncertain. In summary, the available evidence is currently insufficient to determine the role of this variant in disease. Therefore, it has been classified as a Variant of Uncertain Significance.

NM_001277115.2(DNAH11):c.10912C>T (p.His3638Tyr)

Gene: DNAH11 (dynein axonemal heavy chain 11; plus strand). Cytogenetic location: 7p15.3.
Variant type: single nucleotide variant.
Coding change: c.10912C>T on transcript NM_001277115.2 (MANE Select); coding-DNA position 10912, C replaced by T.
Protein change: p.His3638Tyr; replaces histidine 3638 with tyrosine.
Molecular consequence: missense variant.
Genome position (GRCh38, 1-based): chr7:21,852,482, C>T. VCF-style: chr7-21852482-C-T. GRCh37 (hg19) VCF-style: chr7-21892100-C-T.
Other names: short protein forms H3638Y.
Identifiers: ClinVar variation 661172 (VCV000661172.2), dbSNP rs776111425, ClinGen allele CA4182554.